The following is an entry in ClinVar:

NM_000051.4(ATM):c.2691C>T (p.Phe897=)

Gene: ATM (ATM serine/threonine kinase; plus strand). Cytogenetic location: 11q22.3.
Variant type: single nucleotide variant.
Coding change: c.2691C>T on transcript NM_000051.4 (MANE Select); coding-DNA position 2691, C replaced by T.
Protein change: p.Phe897=; no amino-acid change (phenylalanine 897 retained).
Molecular consequence: synonymous variant.
Genome position (GRCh38, 1-based): chr11:108,268,462, C>T. VCF-style: chr11-108268462-C-T. GRCh37 (hg19) VCF-style: chr11-108139189-C-T.
Other names: c.2691C>T, p.Phe897= (NM_001351834.2).
Identifiers: ClinVar variation 3254226 (VCV003254226.1), dbSNP rs878853496.

ClinVar aggregate classification (germline): Benign (1 of 4 stars; one submission).

Conditions:
Familial cancer of breast. Also called: BREAST CANCER, FAMILIAL; Hereditary breast cancer; hereditary breast carcinoma. Identifiers: Orphanet 227535, MedGen C0346153, MONDO:0016419, OMIM 114480. Disease mechanism: loss of function.

Submission:

Myriad Genetics, Inc.
Classification: Benign for Familial cancer of breast. Last evaluated: 2024-05-10. Review status: criteria provided, single submitter. Criteria: Myriad Autosomal Dominant, Autosomal Recessive and X-Linked Classification Criteria (2023). Collection method: clinical testing. Allele origin: unknown.
Comment: This variant is considered benign. This variant is a silent/synonymous amino acid change and it is not expected to impact splicing.